The following is an entry in ClinVar:

ClinVar aggregate classification (germline): Uncertain significance. Review status: criteria provided, multiple submitters, no conflicts (2 of 4 stars). 2 submissions from 2 submitters: Uncertain significance (2). Last evaluated 2025-06-09.

Conditions:
RIPOR2-related disorder. Also called: RIPOR2-related condition.

gnomAD v4.1: 133 of 1,551,510 alleles (0.0086%); highest among the groups gnomAD compares: East Asian, 0.25%; no homozygotes.

Submissions (2):

PreventionGenetics, part of Exact Sciences
Classification: Uncertain significance for RIPOR2-related condition. Last evaluated: 2025-06-09. Review status: criteria provided, single submitter. Criteria: ACMG Guidelines, 2015. Collection method: clinical testing. Allele origin: germline.
Comment: The RIPOR2 c.3169G>A variant is predicted to result in the amino acid substitution p.Gly1057Arg. To our knowledge, this variant has not been reported in the literature. This variant is reported in 0.048% of alleles in individuals of East Asian descent in gnomAD. At this time, the clinical significance of this variant is uncertain due to the absence of conclusive functional and genetic evidence.

Ambry Genetics
Classification: Uncertain significance. Last evaluated: 2025-02-05. Review status: criteria provided, single submitter. Criteria: Ambry Variant Classification Scheme 2023. Collection method: clinical testing. Allele origin: germline.

NM_001286445.3(RIPOR2):c.3106G>A (p.Gly1036Arg)

Gene: RIPOR2 (RHO family interacting cell polarization regulator 2; minus strand). Cytogenetic location: 6p22.3.
Variant type: single nucleotide variant.
Coding change: c.3106G>A on transcript NM_001286445.3 (MANE Select); coding-DNA position 3106, G replaced by A.
Protein change: p.Gly1036Arg; replaces glycine 1036 with arginine.
Molecular consequence: missense variant.
Genome position (GRCh38, 1-based): chr6:24,806,411, C>T on the plus strand (G>A on the coding strand, the complement: RIPOR2 is on the minus strand). VCF-style: chr6-24806411-C-T. GRCh37 (hg19) VCF-style: chr6-24806639-C-T.
Other names: c.3019G>A, p.Gly1007Arg (NM_001346031.2, NM_001346032.2); c.3169G>A, p.Gly1057Arg (NM_014722.5); c.3169G>A (NM_014722.4); short protein forms G1007R, G1036R, G1057R.
Identifiers: ClinVar variation 3789310 (VCV003789310.2).